The following is an entry in ClinVar:

ClinVar aggregate classification (germline): Pathogenic/Likely pathogenic. Review status: criteria provided, multiple submitters, no conflicts (2 of 4 stars). 2 submissions from 2 submitters: Pathogenic (1); Likely pathogenic (1). Last evaluated 2024-03-16.

Conditions:
Pyruvate dehydrogenase E3 deficiency (DLDD). Also called: Dihydrolipoamide Dehydrogenase (E3) Deficiency; MAPLE SYRUP URINE DISEASE, TYPE III; Lipoamide dehydrogenase deficiency; DLD DEFICIENCY; E3 DEFICIENCY; Lipoamide dehydrogenase deficiency, lactic acidosis due to. Identifiers: Orphanet 2394, Orphanet 765, MedGen C5574660, MONDO:0009529, OMIM 246900.

Allele frequency attached by ClinVar (database versions not stated): TOPMed below 0.00001.

Submissions (2):

Natera, Inc.
Classification: Likely pathogenic for Maple syrup urine disease type 3. Last evaluated: 2024-03-16. Review status: criteria provided, single submitter. Criteria: Natera Variant Classification Schema (03/2026). Collection method: clinical testing. Allele origin: germline.
Comment: The c.175A>T variant in DLD is a nonsense variant predicted to introduce a stop codon at amino acid 59. This variant is expected to result in nonsense mediated decay, truncation, or a dysfunctional protein product. This variant is rare in the general population with a frequency below the threshold expected for the associated phenotype(s). Given the available evidence, this variant is classified as Likely Pathogenic.

Labcorp Genetics (formerly Invitae), Labcorp
Classification: Pathogenic for Pyruvate dehydrogenase E3 deficiency. Last evaluated: 2023-06-09. Review status: criteria provided, single submitter. Criteria: Invitae Variant Classification Sherloc (09022015). Collection method: clinical testing. Allele origin: germline.
Comment: For these reasons, this variant has been classified as Pathogenic. This variant has not been reported in the literature in individuals affected with DLD-related conditions. This variant is not present in population databases (gnomAD no frequency). This sequence change creates a premature translational stop signal (p.Lys59*) in the DLD gene. It is expected to result in an absent or disrupted protein product. Loss-of-function variants in DLD are known to be pathogenic (PMID: 8968745, 9934985).

Literature cited by the submitters: PubMed 8968745 (cited by Labcorp Genetics (formerly Invitae), Labcorp); PubMed 9934985 (cited by Labcorp Genetics (formerly Invitae), Labcorp).

NM_000108.5(DLD):c.175A>T (p.Lys59Ter)

Gene: DLD (dihydrolipoamide dehydrogenase; plus strand). Cytogenetic location: 7q31.1.
Variant type: single nucleotide variant.
Coding change: c.175A>T on transcript NM_000108.5 (MANE Select); coding-DNA position 175, A replaced by T.
Protein change: p.Lys59Ter; replaces lysine 59 with a stop codon.
Molecular consequence: nonsense. On other transcripts: intron variant (1).
Genome position (GRCh38, 1-based): chr7:107,901,794, A>T. VCF-style: chr7-107901794-A-T. GRCh37 (hg19) VCF-style: chr7-107542239-A-T.
Other names: c.175A>T, p.Lys59Ter (NM_001289751.1, NM_001289752.1); c.-30-1684A>T (NM_001289750.1); c.175A>T (NM_000108.4); short protein forms K59*.
Identifiers: ClinVar variation 2899030 (VCV002899030.4), dbSNP rs1361667907, ClinGen allele CA368854775.